The following is an entry in ClinVar:

NM_001288705.3(CSF1R):c.2281C>G (p.Gln761Glu)

Gene: CSF1R (colony stimulating factor 1 receptor; minus strand). Cytogenetic location: 5q32.
Variant type: single nucleotide variant.
Coding change: c.2281C>G on transcript NM_001288705.3 (MANE Select); coding-DNA position 2281, C replaced by G.
Protein change: p.Gln761Glu; replaces glutamine 761 with glutamic acid.
Molecular consequence: missense variant. On other transcripts: non-coding transcript variant (2).
Genome position (GRCh38, 1-based): chr5:150,057,325, G>C on the plus strand (C>G on the coding strand, the complement: CSF1R is on the minus strand). VCF-style: chr5-150057325-G-C. GRCh37 (hg19) VCF-style: chr5-149436888-G-C.
Other names: c.2281C>G, p.Gln761Glu (NM_001349736.2, NM_001375320.1, NM_005211.4); c.1837C>G, p.Gln613Glu (NM_001375321.1); short protein forms Q613E, Q761E.
Identifiers: ClinVar variation 4801555 (VCV004801555.1).

ClinVar aggregate classification (germline): Uncertain significance (1 of 4 stars; one submission).

Submission:

Labcorp Genetics (formerly Invitae), Labcorp
Classification: Uncertain significance. Last evaluated: 2025-03-22. Review status: criteria provided, single submitter. Criteria: Invitae Variant Classification Sherloc (09022015). Collection method: clinical testing. Allele origin: germline.
Comment: This sequence change replaces glutamine, which is neutral and polar, with glutamic acid, which is acidic and polar, at codon 761 of the CSF1R protein (p.Gln761Glu). This variant is not present in population databases (gnomAD no frequency). This variant has not been reported in the literature in individuals affected with CSF1R-related conditions. Invitae Evidence Modeling of protein sequence and biophysical properties (such as structural, functional, and spatial information, amino acid conservation, physicochemical variation, residue mobility, and thermodynamic stability) has been performed for this missense variant. However, the output from this modeling did not meet the statistical confidence thresholds required to predict the impact of this variant on CSF1R protein function. In summary, the available evidence is currently insufficient to determine the role of this variant in disease. Therefore, it has been classified as a Variant of Uncertain Significance.